The following is an entry in ClinVar:

NM_000038.6(APC):c.956T>C (p.Leu319Ser)

Gene: APC (APC regulator of Wnt signaling pathway; plus strand). Cytogenetic location: 5q22.2.
Variant type: single nucleotide variant.
Coding change: c.956T>C on transcript NM_000038.6 (MANE Select); coding-DNA position 956, T replaced by C.
Protein change: p.Leu319Ser; replaces leucine 319 with serine.
Molecular consequence: missense variant. On other transcripts: intron variant (4).
Genome position (GRCh38, 1-based): chr5:112,818,988, T>C. VCF-style: chr5-112818988-T-C. GRCh37 (hg19) VCF-style: chr5-112154685-T-C.
Other names: c.779T>C, p.Leu260Ser (NM_001354901.2, NM_001354900.2); c.107T>C, p.Leu36Ser (NM_001354906.2); c.964-281T>C (NM_001354902.2); c.859-281T>C (NM_001354904.2); c.934-281T>C (NM_001354903.2); c.757-281T>C (NM_001354905.2); c.956T>C, p.Leu319Ser (NM_001127510.3, NM_001354895.2, NM_001354896.2); c.902T>C, p.Leu301Ser (NM_001127511.3); and 3 more; short protein forms L260S, L291S, L294S, L301S, L319S, L329S, L36S.
Identifiers: ClinVar variation 1703438 (VCV001703438.8), dbSNP rs2149778946, ClinGen allele CA16023401.

ClinVar aggregate classification (germline): Uncertain significance. Review status: criteria provided, multiple submitters, no conflicts (2 of 4 stars). 2 submissions from 2 submitters: Uncertain significance (2). Last evaluated 2024-01-12.

Conditions:
Familial adenomatous polyposis 1 (FAP1). Also called: FAMILIAL ADENOMATOUS POLYPOSIS 1, ATTENUATED; POLYPOSIS, ADENOMATOUS INTESTINAL. Identifiers: MedGen C2713442, MONDO:0021056, OMIM 175100. Disease mechanism: loss of function.

Allele frequency attached by ClinVar (database versions not stated): gnomAD exomes below 0.00001.
gnomAD v4.1: 1 of 1,614,128 alleles (0.000062%); highest among the groups gnomAD compares: Middle Eastern, 0.017%; no homozygotes.

Submissions (2):

GeneDx
Classification: Uncertain significance. Last evaluated: 2024-01-12. Review status: criteria provided, single submitter. Criteria: GeneDx Variant Classification Process June 2021. Collection method: clinical testing. Allele origin: germline.
Comment: Not observed at significant frequency in large population cohorts (gnomAD); In silico analysis supports that this missense variant has a deleterious effect on protein structure/function; Has not been previously published as pathogenic or benign to our knowledge

Labcorp Genetics (formerly Invitae), Labcorp
Classification: Uncertain significance for Familial adenomatous polyposis 1. Last evaluated: 2023-09-17. Review status: criteria provided, single submitter. Criteria: Invitae Variant Classification Sherloc (09022015). Collection method: clinical testing. Allele origin: germline.
Comment: In summary, the available evidence is currently insufficient to determine the role of this variant in disease. Therefore, it has been classified as a Variant of Uncertain Significance. Advanced modeling of protein sequence and biophysical properties (such as structural, functional, and spatial information, amino acid conservation, physicochemical variation, residue mobility, and thermodynamic stability) has been performed at Invitae for this missense variant, however the output from this modeling did not meet the statistical confidence thresholds required to predict the impact of this variant on APC protein function. This sequence change replaces leucine, which is neutral and non-polar, with serine, which is neutral and polar, at codon 319 of the APC protein (p.Leu319Ser). This variant is not present in population databases (gnomAD no frequency). This variant has not been reported in the literature in individuals affected with APC-related conditions. ClinVar contains an entry for this variant (Variation ID: 1703438).